The following is an entry in ClinVar:

NM_032730.5(RTN4IP1):c.1033G>C (p.Ala345Pro)

Gene: RTN4IP1 (reticulon 4 interacting protein 1; minus strand). Cytogenetic location: 6q21.
Variant type: single nucleotide variant.
Coding change: c.1033G>C on transcript NM_032730.5 (MANE Select); coding-DNA position 1033, G replaced by C.
Protein change: p.Ala345Pro; replaces alanine 345 with proline.
Molecular consequence: missense variant.
Genome position (GRCh38, 1-based): chr6:106,583,378, C>G on the plus strand (G>C on the coding strand, the complement: RTN4IP1 is on the minus strand). VCF-style: chr6-106583378-C-G. GRCh37 (hg19) VCF-style: chr6-107031253-C-G.
Other names: c.733G>C, p.Ala245Pro (NM_001318746.1); c.1033G>C (NM_032730.4); short protein forms A245P, A345P.
Identifiers: ClinVar variation 2197190 (VCV002197190.7), dbSNP rs774705692, ClinGen allele CA3944304.

ClinVar aggregate classification (germline): Uncertain significance. Review status: criteria provided, multiple submitters, no conflicts (2 of 4 stars). 2 submissions from 2 submitters: Uncertain significance (2). Last evaluated 2025-11-20.

Conditions:
Inborn genetic diseases. Identifiers: MedGen C0950123, MeSH D030342.

Allele frequency attached by ClinVar (database versions not stated): TOPMed below 0.00001; ExAC 0.00003; gnomAD exomes 0.00003.
gnomAD v4.1: 44 of 1,613,706 alleles (0.0027%); highest among the groups gnomAD compares: Non-Finnish European, 0.0036%; no homozygotes.

Submissions (3):

Ambry Genetics
Classification: Uncertain significance for Inborn genetic diseases. Last evaluated: 2025-11-20. Review status: criteria provided, single submitter. Criteria: Ambry Variant Classification Scheme 2023. Collection method: clinical testing. Allele origin: germline.

Labcorp Genetics (formerly Invitae), Labcorp
Classification: Uncertain significance. Last evaluated: 2023-08-17. Review status: criteria provided, single submitter. Criteria: Invitae Variant Classification Sherloc (09022015). Collection method: clinical testing. Allele origin: germline.
Comment: This variant has not been reported in the literature in individuals affected with RTN4IP1-related conditions. In summary, the available evidence is currently insufficient to determine the role of this variant in disease. Therefore, it has been classified as a Variant of Uncertain Significance. Advanced modeling of protein sequence and biophysical properties (such as structural, functional, and spatial information, amino acid conservation, physicochemical variation, residue mobility, and thermodynamic stability) performed at Invitae indicates that this missense variant is not expected to disrupt RTN4IP1 protein function. ClinVar contains an entry for this variant (Variation ID: 2197190). This variant is present in population databases (rs774705692, gnomAD 0.004%). This sequence change replaces alanine, which is neutral and non-polar, with proline, which is neutral and non-polar, at codon 345 of the RTN4IP1 protein (p.Ala345Pro).

Dr. Peter K. Rogan Lab, Western University
No classification provided (evidence only). Condition: Melanoma. Review status: no classification provided. Collection method: in vitro. Allele origin: not applicable. Functional consequence: retained intron. Not counted in ClinVar's aggregate classification.